The following is an entry in ClinVar:

NM_000075.4(CDK4):c.590T>C (p.Met197Thr)

Gene: CDK4 (cyclin dependent kinase 4; minus strand). Cytogenetic location: 12q14.1.
Variant type: single nucleotide variant.
Coding change: c.590T>C on transcript NM_000075.4 (MANE Select); coding-DNA position 590, T replaced by C.
Protein change: p.Met197Thr; replaces methionine 197 with threonine.
Molecular consequence: missense variant.
Genome position (GRCh38, 1-based): chr12:57,750,698, A>G on the plus strand (T>C on the coding strand, the complement: CDK4 is on the minus strand). VCF-style: chr12-57750698-A-G. GRCh37 (hg19) VCF-style: chr12-58144481-A-G.
Other names: short protein forms M197T.
Identifiers: ClinVar variation 954466 (VCV000954466.21), dbSNP rs975342748, ClinGen allele CA237844116.

ClinVar aggregate classification (germline): Uncertain significance. Review status: criteria provided, multiple submitters, no conflicts (2 of 4 stars). 3 submissions from 3 submitters: Uncertain significance (3). Last evaluated 2025-10-25.

Conditions:
Familial melanoma. Also called: Hereditary melanoma; Hereditary cutaneous melanoma. Identifiers: Orphanet 618, MedGen C1512419, MONDO:0018961.
Hereditary cancer-predisposing syndrome. Also called: Hereditary neoplastic syndrome; Tumor predisposition; Neoplastic Syndromes, Hereditary; Hereditary Cancer Syndrome. Identifiers: Orphanet 140162, MedGen C0027672, MeSH D009386, MONDO:0015356.

Allele frequency attached by ClinVar (database versions not stated): gnomAD exomes below 0.00001; TOPMed below 0.00001.

Submissions (3):

Labcorp Genetics (formerly Invitae), Labcorp
Classification: Uncertain significance for Familial melanoma. Last evaluated: 2025-10-25. Review status: criteria provided, single submitter. Criteria: Invitae Variant Classification Sherloc (09022015). Collection method: clinical testing. Allele origin: germline.
Comment: This sequence change replaces methionine, which is neutral and non-polar, with threonine, which is neutral and polar, at codon 197 of the CDK4 protein (p.Met197Thr). This variant is not present in population databases (gnomAD no frequency). This variant has not been reported in the literature in individuals affected with CDK4-related conditions. ClinVar contains an entry for this variant (Variation ID: 954466). An algorithm developed to predict the effect of missense changes on protein structure and function (PolyPhen-2) suggests that this variant is likely to be disruptive. In summary, the available evidence is currently insufficient to determine the role of this variant in disease. Therefore, it has been classified as a Variant of Uncertain Significance.

Center for Genomic Medicine, Rigshospitalet, Copenhagen University Hospital
Classification: Uncertain significance. Last evaluated: 2025-03-04. Review status: criteria provided, single submitter. Criteria: ACMG Guidelines, 2015. Collection method: clinical testing. Allele origin: germline.

Ambry Genetics
Classification: Uncertain significance for Hereditary cancer-predisposing syndrome. Last evaluated: 2024-07-05. Review status: criteria provided, single submitter. Criteria: Ambry Variant Classification Scheme 2023. Collection method: clinical testing. Allele origin: germline.
Comment: The p.M197T variant (also known as c.590T>C), located in coding exon 4 of the CDK4 gene, results from a T to C substitution at nucleotide position 590. The methionine at codon 197 is replaced by threonine, an amino acid with similar properties. This amino acid position is not well conserved in available vertebrate species. In addition, the in silico prediction for this alteration is inconclusive. Since supporting evidence is limited at this time, the clinical significance of this alteration remains unclear.